The following is an entry in ClinVar:

NM_001290321.3(DMXL1):c.2715C>T (p.Ser905=)

Gene: DMXL1 (Dmx like 1; plus strand). Cytogenetic location: 5q23.1.
Variant type: single nucleotide variant.
Coding change: c.2715C>T on transcript NM_001290321.3 (MANE Select); coding-DNA position 2715, C replaced by T.
Protein change: p.Ser905=; no amino-acid change (serine 905 retained).
Molecular consequence: synonymous variant. On other transcripts: non-coding transcript variant (3), intron variant (1).
Genome position (GRCh38, 1-based): chr5:119,147,274, C>T. VCF-style: chr5-119147274-C-T. GRCh37 (hg19) VCF-style: chr5-118482969-C-T.
Other names: c.2715C>T, p.Ser905= (NM_001349239.2, NM_001349240.2, NM_001387933.1 and 2 more transcripts); c.2010C>T, p.Ser670= (NM_001387937.1); c.1925-1465C>T (NM_001387938.1).
Identifiers: ClinVar variation 3052472 (VCV003052472.2), dbSNP rs145458829, ClinGen allele CA3379787.

ClinVar aggregate classification (germline): Benign (0 of 4 stars; one submission).

Conditions:
DMXL1-related disorder. Also called: DMXL1-related condition.

Allele frequency attached by ClinVar (database versions not stated): gnomAD exomes 0.00050; gnomAD 0.00074; TOPMed 0.00085; ExAC 0.00182; 1000 Genomes Project 0.00399; 1000 Genomes Project 30x 0.00468.
gnomAD v4.1: 882 of 1,612,786 alleles (0.055%); highest among the groups gnomAD compares: East Asian, 1.7%; 12 homozygotes.

Submission:

PreventionGenetics, part of Exact Sciences
Classification: Benign for DMXL1-related condition. Last evaluated: 2019-12-27. Review status: no assertion criteria provided. Collection method: clinical testing. Allele origin: germline.
Comment: This variant is classified as benign based on ACMG/AMP sequence variant interpretation guidelines (Richards et al. 2015 PMID: 25741868, with internal and published modifications).